The following is an entry in ClinVar:

ClinVar aggregate classification (germline): Uncertain significance (1 of 4 stars; one submission).

gnomAD v4.1: 7 of 1,614,012 alleles (0.00043%); highest among the groups gnomAD compares: Non-Finnish European, 0.00059%; no homozygotes.

Submission:

CeGaT Center for Human Genetics Tuebingen
Classification: Uncertain significance. Last evaluated: 2024-10-01. Review status: criteria provided, single submitter. Criteria: CeGaT Center For Human Genetics Tuebingen Variant Classification Criteria Version 2. Collection method: clinical testing. Allele origin: germline. Affected: yes. Observed: 1 variant allele.
Comment: SACS: PM2

NM_014363.6(SACS):c.3976G>C (p.Glu1326Gln)

Gene: SACS (sacsin molecular chaperone; minus strand). Cytogenetic location: 13q12.12.
Variant type: single nucleotide variant.
Coding change: c.3976G>C on transcript NM_014363.6 (MANE Select); coding-DNA position 3976, G replaced by C.
Protein change: p.Glu1326Gln; replaces glutamic acid 1326 with glutamine.
Molecular consequence: missense variant.
Genome position (GRCh38, 1-based): chr13:23,339,900, C>G on the plus strand (G>C on the coding strand, the complement: SACS is on the minus strand). VCF-style: chr13-23339900-C-G. GRCh37 (hg19) VCF-style: chr13-23914039-C-G.
Other names: c.3535G>C, p.Glu1179Gln (NM_001278055.2); short protein forms E1179Q, E1326Q.
Identifiers: ClinVar variation 3389816 (VCV003389816.14).